The following is an entry in ClinVar:

ClinVar aggregate classification (germline): Uncertain significance. Review status: criteria provided, multiple submitters, no conflicts (2 of 4 stars). 3 submissions from 3 submitters: Uncertain significance (3). Last evaluated 2024-12-28.

Conditions:
Plasminogen deficiency, type I. Also called: Type 1 plasminogen deficiency; Hypoplasminogenemia. Identifiers: Orphanet 722, MedGen C1968804, MONDO:0009009, OMIM 217090.
Angioedema, hereditary, 4. Identifiers: MedGen C5543503, MONDO:0025712, OMIM 619360.
Inborn genetic diseases. Identifiers: MedGen C0950123, MeSH D030342.

Allele frequency attached by ClinVar (database versions not stated): gnomAD exomes 0.00001; ExAC 0.00007; 1000 Genomes Project 30x 0.00016; gnomAD 0.00016; TOPMed 0.00017; 1000 Genomes Project 0.00020; ESP Exome Variant Server 0.00031.
gnomAD v4.1: 38 of 1,609,242 alleles (0.0024%); highest among the groups gnomAD compares: African/African-American, 0.049%; no homozygotes.

Submissions (3):

Ambry Genetics
Classification: Uncertain significance for Inborn genetic diseases. Last evaluated: 2024-12-28. Review status: criteria provided, single submitter. Criteria: Ambry Variant Classification Scheme 2023. Collection method: clinical testing. Allele origin: germline.

Fulgent Genetics
Classification: Uncertain significance for Plasminogen deficiency, type I; Angioedema, hereditary, 4. Last evaluated: 2024-04-24. Review status: criteria provided, single submitter. Criteria: ACMG Guidelines, 2015. Collection method: clinical testing. Allele origin: germline.

Labcorp Genetics (formerly Invitae), Labcorp
Classification: Uncertain significance. Last evaluated: 2024-03-26. Review status: criteria provided, single submitter. Criteria: Invitae Variant Classification Sherloc (09022015). Collection method: clinical testing. Allele origin: germline.
Comment: This sequence change replaces tyrosine, which is neutral and polar, with histidine, which is basic and polar, at codon 165 of the PLG protein (p.Tyr165His). This variant is present in population databases (rs139828885, gnomAD 0.05%). This variant has not been reported in the literature in individuals affected with PLG-related conditions. Advanced modeling of protein sequence and biophysical properties (such as structural, functional, and spatial information, amino acid conservation, physicochemical variation, residue mobility, and thermodynamic stability) performed at Invitae indicates that this missense variant is expected to disrupt PLG protein function with a positive predictive value of 95%. In summary, the available evidence is currently insufficient to determine the role of this variant in disease. Therefore, it has been classified as a Variant of Uncertain Significance.

NM_000301.5(PLG):c.493T>C (p.Tyr165His)

Gene: PLG (plasminogen; plus strand). Cytogenetic location: 6q26.
Variant type: single nucleotide variant.
Coding change: c.493T>C on transcript NM_000301.5 (MANE Select); coding-DNA position 493, T replaced by C.
Protein change: p.Tyr165His; replaces tyrosine 165 with histidine.
Molecular consequence: missense variant.
Genome position (GRCh38, 1-based): chr6:160,713,071, T>C. VCF-style: chr6-160713071-T-C. GRCh37 (hg19) VCF-style: chr6-161134103-T-C.
Other names: short protein forms Y165H.
Identifiers: ClinVar variation 2898025 (VCV002898025.5), dbSNP rs139828885, ClinGen allele CA4087458.